The following is an entry in ClinVar:

ClinVar aggregate classification (germline): Uncertain significance (1 of 4 stars; one submission).

Conditions:
Familial adenomatous polyposis 1 (FAP1). Also called: POLYPOSIS, ADENOMATOUS INTESTINAL; FAMILIAL ADENOMATOUS POLYPOSIS 1, ATTENUATED. Identifiers: MedGen C2713442, MONDO:0021056, OMIM 175100. Disease mechanism: loss of function.

Submission:

Labcorp Genetics (formerly Invitae), Labcorp
Classification: Uncertain significance for Familial adenomatous polyposis 1. Last evaluated: 2025-05-25. Review status: criteria provided, single submitter. Criteria: Invitae Variant Classification Sherloc (09022015). Collection method: clinical testing. Allele origin: germline.
Comment: This sequence change replaces alanine, which is neutral and non-polar, with serine, which is neutral and polar, at codon 61 of the APC protein (p.Ala61Ser). This variant is not present in population databases (gnomAD no frequency). This variant has not been reported in the literature in individuals affected with APC-related conditions. ClinVar contains an entry for this variant (Variation ID: 933593). Invitae Evidence Modeling of protein sequence and biophysical properties (such as structural, functional, and spatial information, amino acid conservation, physicochemical variation, residue mobility, and thermodynamic stability) indicates that this missense variant is not expected to disrupt APC protein function with a negative predictive value of 95%. In summary, the available evidence is currently insufficient to determine the role of this variant in disease. Therefore, it has been classified as a Variant of Uncertain Significance.

NM_000038.6(APC):c.181G>T (p.Ala61Ser)

Gene: APC (APC regulator of Wnt signaling pathway; plus strand). Cytogenetic location: 5q22.2.
Variant type: single nucleotide variant.
Coding change: c.181G>T on transcript NM_000038.6 (MANE Select); coding-DNA position 181, G replaced by T.
Protein change: p.Ala61Ser; replaces alanine 61 with serine.
Molecular consequence: missense variant. On other transcripts: 5 prime UTR variant (1).
Genome position (GRCh38, 1-based): chr5:112,766,371, G>T. VCF-style: chr5-112766371-G-T. GRCh37 (hg19) VCF-style: chr5-112102068-G-T.
Other names: c.181G>T, p.Ala61Ser (NM_001127510.3, NM_001354895.2, NM_001354896.2 and 2 more transcripts); c.211G>T, p.Ala71Ser (NM_001127511.3, NM_001354897.2, NM_001354902.2); c.106G>T, p.Ala36Ser (NM_001354898.2, NM_001354904.2); c.4G>T, p.Ala2Ser (NM_001354900.2, NM_001354901.2, NM_001354905.2); c.-855G>T (NM_001354906.2); short protein forms A36S, A2S, A71S, A61S.
Identifiers: ClinVar variation 933593 (VCV000933593.11), dbSNP rs786201989, ClinGen allele CA16021745.